The following is an entry in ClinVar:

NM_152327.5(AK7):c.1369G>A (p.Asp457Asn)

Gene: AK7 (adenylate kinase 7; plus strand). Cytogenetic location: 14q32.2.
Variant type: single nucleotide variant.
Coding change: c.1369G>A on transcript NM_152327.5 (MANE Select); coding-DNA position 1369, G replaced by A.
Protein change: p.Asp457Asn; replaces aspartic acid 457 with asparagine.
Molecular consequence: missense variant. On other transcripts: intron variant (1).
Genome position (GRCh38, 1-based): chr14:96,471,489, G>A. VCF-style: chr14-96471489-G-A. GRCh37 (hg19) VCF-style: chr14-96937826-G-A.
Other names: c.1369G>A, p.Asp457Asn (NM_001350888.2, NM_001350890.2); c.1291G>A, p.Asp431Asn (NM_001350891.2); c.1358-6976G>A (NM_001350892.2); short protein forms D431N, D457N.
Identifiers: ClinVar variation 1895579 (VCV001895579.3), dbSNP rs368611874, ClinGen allele CA7337835.

ClinVar aggregate classification (germline): Uncertain significance (1 of 4 stars; one submission).

Allele frequency attached by ClinVar (database versions not stated): ExAC 0.00002; gnomAD 0.00005; ESP Exome Variant Server 0.00008.
gnomAD v4.1: 32 of 1,456,704 alleles (0.0022%); highest among the groups gnomAD compares: African/African-American, 0.0057%; no homozygotes.

Submission:

Labcorp Genetics (formerly Invitae), Labcorp
Classification: Uncertain significance. Last evaluated: 2023-08-10. Review status: criteria provided, single submitter. Criteria: Invitae Variant Classification Sherloc (09022015). Collection method: clinical testing. Allele origin: germline.
Comment: This sequence change replaces aspartic acid, which is acidic and polar, with asparagine, which is neutral and polar, at codon 457 of the AK7 protein (p.Asp457Asn). This variant is present in population databases (rs368611874, gnomAD 0.006%). This variant has not been reported in the literature in individuals affected with AK7-related conditions. ClinVar contains an entry for this variant (Variation ID: 1895579). Advanced modeling of protein sequence and biophysical properties (such as structural, functional, and spatial information, amino acid conservation, physicochemical variation, residue mobility, and thermodynamic stability) performed at Invitae indicates that this missense variant is not expected to disrupt AK7 protein function. In summary, the available evidence is currently insufficient to determine the role of this variant in disease. Therefore, it has been classified as a Variant of Uncertain Significance.